The following is an entry in ClinVar:

NM_001267550.2(TTN):c.41341C>T (p.Arg13781Cys)

Gene: TTN (titin; minus strand). Cytogenetic location: 2q31.2.
Variant type: single nucleotide variant.
Coding change: c.41341C>T on transcript NM_001267550.2 (MANE Select); coding-DNA position 41341, C replaced by T.
Protein change: p.Arg13781Cys; replaces arginine 13781 with cysteine.
Molecular consequence: missense variant.
Genome position (GRCh38, 1-based): chr2:178,636,230, G>A on the plus strand (C>T on the coding strand, the complement: TTN is on the minus strand). VCF-style: chr2-178636230-G-A. GRCh37 (hg19) VCF-style: chr2-179500957-G-A.
Other names: c.41341C>T (LRG_391t1); c.36418C>T, p.Arg12140Cys (NM_001256850.1); c.14146C>T, p.Arg4716Cys (NM_003319.4); c.33637C>T, p.Arg11213Cys (NM_133378.4); c.14521C>T, p.Arg4841Cys (NM_133432.3); c.14722C>T, p.Arg4908Cys (NM_133437.4); short protein forms R13781C, R11213C, R12140C, R4716C, R4841C, R4908C.
Identifiers: ClinVar variation 194806 (VCV000194806.8), dbSNP rs768469221, ClinGen allele CA240984.
Genomic context (GRCh38, chr2:178,636,230, plus strand): 5'-TCAAGTACAATGGCTGTCCTTTGACCACTGTGACTTCCTCTTCCAGTGTTTTTACAAAAC[G>A]CACAGGAAGTTCTATGGAGAATTTCAGTATATATTTCAATAAATACAATATTTTCAATGA-3'
Protein context (NP_001254479.2, residues 13771-13791): AKLVVEELPV[Arg13781Cys]FVKTLEEEVT

ClinVar aggregate classification (germline): Uncertain significance. Review status: criteria provided, multiple submitters, no conflicts (2 of 4 stars). 4 submissions from 4 submitters: Uncertain significance (4). Last evaluated 2024-12-03.

Allele frequency attached by ClinVar (database versions not stated): ExAC 0.00001; TOPMed 0.00001.
gnomAD v4.1: 21 of 1,570,898 alleles (0.0013%); highest among the groups gnomAD compares: South Asian, 0.013%; no homozygotes.

Submissions (4):

Revvity Omics, Revvity
Classification: Uncertain significance. Last evaluated: 2024-12-03. Review status: criteria provided, single submitter. Criteria: ACMG Guidelines, 2015. Collection method: clinical testing. Allele origin: germline.

GeneDx
Classification: Uncertain significance. Last evaluated: 2023-03-05. Review status: criteria provided, single submitter. Criteria: GeneDx Variant Classification Process June 2021. Collection method: clinical testing. Allele origin: germline. Affected: yes.
Comment: Not observed at significant frequency in large population cohorts (gnomAD); Missense variant in a gene in which most reported pathogenic variants are truncating/loss of function; Located in a region of TTN within the I-band in which the majority of loss of function variants are significantly associated with autosomal dominant titinopathies (Deo et al., 2016; Schafer et al., 2017); Has not been previously published as pathogenic or benign to our knowledge

Athena Diagnostics
Classification: Uncertain significance. Last evaluated: 2017-11-30. Review status: criteria provided, single submitter. Criteria: Athena Diagnostics Criteria. Collection method: clinical testing. Allele origin: germline.

Eurofins Ntd Llc (ga)
Classification: Uncertain significance. Last evaluated: 2016-08-23. Review status: criteria provided, single submitter. Criteria: EGL Classification Definitions 2015. Collection method: clinical testing. Allele origin: germline. Observed: 3 variant alleles, 3 heterozygotes.